The following is an entry in ClinVar:

NM_032444.4(SLX4):c.4906C>A (p.Pro1636Thr)

Gene: SLX4 (SLX4 structure-specific endonuclease subunit; minus strand). Cytogenetic location: 16p13.3.
Variant type: single nucleotide variant.
Coding change: c.4906C>A on transcript NM_032444.4 (MANE Select); coding-DNA position 4906, C replaced by A.
Protein change: p.Pro1636Thr; replaces proline 1636 with threonine.
Molecular consequence: missense variant.
Genome position (GRCh38, 1-based): chr16:3,583,344, G>T on the plus strand (C>A on the coding strand, the complement: SLX4 is on the minus strand). VCF-style: chr16-3583344-G-T. GRCh37 (hg19) VCF-style: chr16-3633345-G-T.
Other names: short protein forms P1636T.
Identifiers: ClinVar variation 2886348 (VCV002886348.3), dbSNP rs770335237, ClinGen allele CA394515138.
Genomic context (GRCh38, chr16:3,583,344, plus strand): 5'-GCCTATGGGCCCCAGGTCCTGTGGTGGCCTCCTGCTGGGCATGGACCCCTGCCCTTGAAG[G>T]CTTGTAGGTCTGGGAGGCGAGGGTCTGGCAGTGAGGCGCCTGCAACAGCGGCTGTGAGGA-3'
Protein context (NP_115820.2, residues 1626-1646): CQTLASQTYK[Pro1636Thr]SRAGVHAQQE

ClinVar aggregate classification (germline): Uncertain significance (1 of 4 stars; one submission).

Conditions:
Fanconi anemia (FA). Also called: Fanconi's anemia. Identifiers: Orphanet 84, MedGen C0015625, MeSH D005199, MONDO:0019391.

Allele frequency attached by ClinVar (database versions not stated): TOPMed below 0.00001.

Submission:

Labcorp Genetics (formerly Invitae), Labcorp
Classification: Uncertain significance for Fanconi anemia. Last evaluated: 2024-10-28. Review status: criteria provided, single submitter. Criteria: Invitae Variant Classification Sherloc (09022015). Collection method: clinical testing. Allele origin: germline.
Comment: This sequence change replaces proline, which is neutral and non-polar, with threonine, which is neutral and polar, at codon 1636 of the SLX4 protein (p.Pro1636Thr). This variant is not present in population databases (gnomAD no frequency). This variant has not been reported in the literature in individuals affected with SLX4-related conditions. An algorithm developed to predict the effect of missense changes on protein structure and function outputs the following: PolyPhen-2: "Benign". The threonine amino acid residue is found in multiple mammalian species, which suggests that this missense change does not adversely affect protein function. In summary, the available evidence is currently insufficient to determine the role of this variant in disease. Therefore, it has been classified as a Variant of Uncertain Significance.